The following is an entry in ClinVar:

NM_001378457.1(DMXL2):c.8132T>A (p.Val2711Asp)

Gene: DMXL2 (Dmx like 2; minus strand). Cytogenetic location: 15q21.2.
Variant type: single nucleotide variant.
Coding change: c.8132T>A on transcript NM_001378457.1 (MANE Select); coding-DNA position 8132, T replaced by A.
Protein change: p.Val2711Asp; replaces valine 2711 with aspartic acid.
Molecular consequence: missense variant. On other transcripts: non-coding transcript variant (2).
Genome position (GRCh38, 1-based): chr15:51,458,572, A>T on the plus strand (T>A on the coding strand, the complement: DMXL2 is on the minus strand). VCF-style: chr15-51458572-A-T. GRCh37 (hg19) VCF-style: chr15-51750769-A-T.
Other names: c.8069T>A, p.Val2690Asp (NM_001174116.3); c.6158T>A, p.Val2053Asp (NM_001174117.3); c.8129T>A, p.Val2710Asp (NM_001378458.1); c.7844T>A, p.Val2615Asp (NM_001378459.1); c.6047T>A, p.Val2016Asp (NM_001378460.1); c.8066T>A, p.Val2689Asp (NM_015263.5); short protein forms V2615D, V2689D, V2711D, V2690D, V2710D, V2016D, V2053D.
Identifiers: ClinVar variation 1944035 (VCV001944035.2), dbSNP rs2543004293, ClinGen allele CA392436941.

ClinVar aggregate classification (germline): Uncertain significance (1 of 4 stars; one submission).

gnomAD v4.1: 2 of 1,614,024 alleles (0.00012%); highest among the groups gnomAD compares: Non-Finnish European, 0.00017%; no homozygotes.

Submission:

Labcorp Genetics (formerly Invitae), Labcorp
Classification: Uncertain significance. Last evaluated: 2022-01-04. Review status: criteria provided, single submitter. Criteria: Invitae Variant Classification Sherloc (09022015). Collection method: clinical testing. Allele origin: germline.
Comment: This sequence change replaces valine, which is neutral and non-polar, with aspartic acid, which is acidic and polar, at codon 2690 of the DMXL2 protein (p.Val2690Asp). This variant is not present in population databases (gnomAD no frequency). This variant has not been reported in the literature in individuals affected with DMXL2-related conditions. Algorithms developed to predict the effect of missense changes on protein structure and function are either unavailable or do not agree on the potential impact of this missense change (SIFT: "Deleterious"; PolyPhen-2: "Possibly Damaging"; Align-GVGD: "Class C15"). In summary, the available evidence is currently insufficient to determine the role of this variant in disease. Therefore, it has been classified as a Variant of Uncertain Significance.